The following is an entry in ClinVar:

NM_001385641.1(SAMD11):c.2418G>A (p.Thr806=)

Gene: SAMD11 (sterile alpha motif domain containing 11; plus strand). Cytogenetic location: 1p36.33.
Variant type: single nucleotide variant.
Coding change: c.2418G>A on transcript NM_001385641.1 (MANE Select); coding-DNA position 2418, G replaced by A.
Protein change: p.Thr806=; no amino-acid change (threonine 806 retained).
Molecular consequence: synonymous variant.
Genome position (GRCh38, 1-based): chr1:944,036, G>A. VCF-style: chr1-944036-G-A. GRCh37 (hg19) VCF-style: chr1-879416-G-A.
Other names: c.2421G>A, p.Thr807= (NM_001385640.1); c.1929G>A, p.Thr643= (NM_152486.4).
Identifiers: ClinVar variation 1154628 (VCV001154628.33), dbSNP rs202045502, ClinGen allele CA503397.
Genomic context (GRCh38, chr1:944,036, plus strand): 5'-AACCCTGCGGGCCCCGGAGCGAGAACTCGGCACAGGAGAGCAGCCCTTGTCCCCCACGAC[G>A]GCCACGTCCCCCTATGGAGGGGGCCACGCCCTTGCCGGTCAAACTTCACCCAAGCAGGAG-3'
Protein context (NP_001372570.1, residues 796-816): GTGEQPLSPT[Thr806=]ATSPYGGGHA

ClinVar aggregate classification (germline): Likely benign. Review status: criteria provided, multiple submitters, no conflicts (2 of 4 stars). 3 submissions from 3 submitters: Likely benign (3). Last evaluated 2025-11-24.

Allele frequency attached by ClinVar (database versions not stated): TOPMed 0.00010; ExAC 0.00013; gnomAD exomes 0.00013; gnomAD 0.00015 and 0.00016.
gnomAD v4.1: 304 of 1,612,670 alleles (0.019%); highest among the groups gnomAD compares: Non-Finnish European, 0.025%; no homozygotes.

Submissions (3):

Labcorp Genetics (formerly Invitae), Labcorp
Classification: Likely benign. Last evaluated: 2025-11-24. Review status: criteria provided, single submitter. Criteria: Invitae Variant Classification Sherloc (09022015). Collection method: clinical testing. Allele origin: germline.

Blueprint Genetics
Classification: Likely benign. Last evaluated: 2024-11-12. Review status: criteria provided, single submitter. Criteria: ACMG Guidelines, 2015. Collection method: clinical testing. Allele origin: germline.

CeGaT Center for Human Genetics Tuebingen
Classification: Likely benign. Last evaluated: 2023-01-01. Review status: criteria provided, single submitter. Criteria: CeGaT Center For Human Genetics Tuebingen Variant Classification Criteria Version 2. Collection method: clinical testing. Allele origin: germline. Affected: yes. Observed: 1 variant allele.
Comment: SAMD11: BP4, BP7